The following is an entry in ClinVar:

NM_007294.4(BRCA1):c.5288G>T (p.Gly1763Val)

Gene: BRCA1 (BRCA1 DNA repair associated; minus strand). Cytogenetic location: 17q21.31.
Variant type: single nucleotide variant.
Coding change: c.5288G>T on transcript NM_007294.4 (MANE Select); coding-DNA position 5288, G replaced by T.
Protein change: p.Gly1763Val; replaces glycine 1763 with valine.
Molecular consequence: missense variant. On other transcripts: non-coding transcript variant (1).
Genome position (GRCh38, 1-based): chr17:43,051,107, C>A on the plus strand (G>T on the coding strand, the complement: BRCA1 is on the minus strand). VCF-style: chr17-43051107-C-A. GRCh37 (hg19) VCF-style: chr17-41203124-C-A.
Other names: p.G1763V:GGG>GTG; NM_007294.4(BRCA1):c.5288G>T; c.5288G>T, p.Gly1763Val (NM_001407603.1, NM_001407605.1, NM_001407593.1 and 6 more transcripts); c.5285G>T, p.Gly1762Val (NM_001407610.1, NM_001407611.1, NM_001407612.1 and 17 more transcripts); c.5282G>T, p.Gly1761Val (NM_001407627.1, NM_001407628.1, NM_001407629.1 and 14 more transcripts); c.5273G>T, p.Gly1758Val (NM_001407647.1); c.5231G>T, p.Gly1744Val (NM_001407648.1); c.5228G>T, p.Gly1743Val (NM_001407649.1); and 74 more; short protein forms G1763V, G659V, G1716V, G1784V, G1650V, G1692V, G1714V, G1722V.
Identifiers: ClinVar variation 55507 (VCV000055507.26), dbSNP rs80357007, ClinGen allele CA003445.

ClinVar aggregate classification (germline): Uncertain significance. Review status: reviewed by expert panel (3 of 4 stars). 10 submissions from 10 submitters: Uncertain significance (1). 9 of the submissions do not count toward it. Last evaluated 2026-08-27.

Conditions:
BRCA1-related cancer predisposition. Identifiers: MedGen CN377757, MONDO:0700268.
Hereditary cancer-predisposing syndrome. Also called: Hereditary Cancer Syndrome; Hereditary neoplastic syndrome; Neoplastic Syndromes, Hereditary; Tumor predisposition. Identifiers: Orphanet 140162, MedGen C0027672, MeSH D009386, MONDO:0015356.
Hereditary breast ovarian cancer syndrome. Also called: BRCA1- and BRCA2-Associated Hereditary Breast and Ovarian Cancer; Hereditary breast and ovarian cancer syndrome; Hereditary breast and ovarian cancer syndrome (HBOC); Breast and ovarian cancer; Hereditary breast and/or ovarian cancer syndrome; Hereditary breast and ovarian cancer. Identifiers: Orphanet 145, MedGen C0677776, MeSH D061325, MONDO:0003582. Disease mechanism: loss of function.
Breast-ovarian cancer, familial, susceptibility to, 1 (BROVCA1). Also called: BRCA1 Hereditary Breast and Ovarian Cancer; OVARIAN CANCER, SUSCEPTIBILITY TO. Identifiers: Orphanet 145, MedGen C2676676, MONDO:0011450, OMIM 604370. Disease mechanism: loss of function.

Allele frequency attached by ClinVar (database versions not stated): gnomAD exomes below 0.00001.
gnomAD v4.1: 2 of 1,613,904 alleles (0.00012%); highest among the groups gnomAD compares: Non-Finnish European, 0.00017%; no homozygotes.

Submissions 1 to 6 of 11:

ClinGen ENIGMA BRCA1 and BRCA2 Variant Curation Expert Panel, ClinGen
Classification: Uncertain significance for BRCA1-related cancer predisposition. Last evaluated: 2026-08-27. Review status: reviewed by expert panel. Criteria: CSpec BRCA1/2ACMG Rules Specifications V1.2. Collection method: curation. Allele origin: germline. Inheritance: Autosomal dominant inheritance.
Comment: The c.5288G>T variant in BRCA1 is a missense variant predicted to cause substitution of Glycine by Valine at amino acid 1763 (p.(Gly1763Val)). The Total GrpMax filtering allele frequency (the lower threshold of the 95% CI) in gnomAD v4.1 is 0.00000028 in the Non-Finnish European genetic ancestry group (based on 2/1179892 alleles) which is below the ENIGMA BRCA1/2 VCEP threshold (>0.00002) for BS1_Supporting and does not meet any population code (BA1, BS1, BS1_Supporting, PM2_Supporting are not met). Reported by two or more calibrated studies with discordant results. Functional effect similar to pathogenic control variants (PMIDs: 30209399, 38709234) and between what was observed for benign and pathogenic control variants (PMID: 35196514) (PS3 and BS3 not met). This BRCA1 missense variant is within a key functional domain and the computational predictor BayesDel (noAF) gives a score of 0.26, indicating impact on BRCA1 function via protein change is unclear (score range 0.15-0.28). A SpliceAI score of 0 predicts no impact on splicing (score threshold <0.10) (no bioinformatic code is applied). Multifactorial likelihood ratio analysis using clinically calibrated data produced a combined LR for this variant of 0.61 (based on Co-occurrence LR=1.07; Family History LR=0.57), which is above the ENIGMA BRCA1/2 VCEP threshold for BP5 (>0.48) and below PP4 (<2.08) (BP5 and PP4 not met; PMID:31853058, Internal lab contributor). In summary, this variant did not meet any criteria and is classified as a Variant of uncertain significance for BRCA1-related cancer predisposition based on the ACMG/AMP criteria applied as specified by the ENIGMA BRCA1/2 VCEP (v1.2).

German Consortium for Hereditary Breast and Ovarian Cancer, University Hospital Cologne
Classification: Uncertain significance for Hereditary breast ovarian cancer syndrome. Last evaluated: 2025-07-08. Review status: criteria provided, single submitter. Criteria: ClinGen BRCA1 V1.1.0. Collection method: curation. Allele origin: germline. Not counted in ClinVar's aggregate classification.
Comment: This classification follows the ClinGen ENIGMA BRCA1 v1.1.0 classification scheme; We chose these criteria: PS3 (strong pathogenic): Findlay 2018 (PMID:30209399) - LOF; Fernandes 2019 (PMID:30765603) - Pathogenic, PM2 (supporting pathogenic): absent from gnomAD v2/3

Ambry Genetics
Classification: Likely pathogenic for Hereditary cancer-predisposing syndrome. Last evaluated: 2025-01-31. Review status: criteria provided, single submitter. Criteria: Ambry Variant Classification Scheme 2023. Collection method: clinical testing. Allele origin: germline. Not counted in ClinVar's aggregate classification.
Comment: The p.G1763V variant (also known as c.5288G>T), located in coding exon 19 of the BRCA1 gene, results from a G to T substitution at nucleotide position 5288. The glycine at codon 1763 is replaced by valine, an amino acid with dissimilar properties. One functional study found that this nucleotide substitution is non-functional in a high-throughput, genome editing, haploid cell survival assay (Findlay GM. et al. Nature 2018 10;562(7726):217-222). In addition, multiple functional assays assessing protein folding stability, phosphopeptide binding, and transcriptional activity showed compromised function (Lee MS et al. Cancer Res. 2010 Jun 15;70(12):4880-90). This variant was reported as indeterminant in a homology directed repair assay, but functional in an assay of cisplatin resistance (Adamovich AI et al. Am J Hum Genet. 2022 Apr;109(4):618-630). Another study that utilized bioinformatics analysis and a series of experiments investigating cell proliferation, cell cycle regulation, and chemotherapy response determined that this alteration did not affect the tumor suppressor function of BRCA1; however, the physiological relevance of these findings are unclear (Zhang H et al. Oncol Lett, 2017 Nov;14:5839-5844). Based on internal structural analysis, G1763V is deleterious (Ambry internal data; Wu, Q et al. Mol Cell 2016 Feb;61(3):434-448). This variant is considered to be rare based on population cohorts in the Genome Aggregation Database (gnomAD). This amino acid position is highly conserved in available vertebrate species. In addition, this alteration is predicted to be deleterious by in silico analysis. Based on the majority of available evidence to date, this variant is likely to be pathogenic.

Labcorp Genetics (formerly Invitae), Labcorp
Classification: Uncertain significance for Hereditary breast ovarian cancer syndrome. Last evaluated: 2025-01-29. Review status: criteria provided, single submitter. Criteria: Invitae Variant Classification Sherloc (09022015). Collection method: clinical testing. Allele origin: germline. Not counted in ClinVar's aggregate classification.
Comment: This sequence change replaces glycine, which is neutral and non-polar, with valine, which is neutral and non-polar, at codon 1763 of the BRCA1 protein (p.Gly1763Val). This variant is not present in population databases (gnomAD no frequency). This missense change has been observed in individual(s) with familial breast cancer (PMID: 29113215). ClinVar contains an entry for this variant (Variation ID: 55507). Invitae Evidence Modeling incorporating data from in vitro experimental studies (PMID: 30209399) indicates that this missense variant is expected to disrupt BRCA1 function with a positive predictive value of 95%. Experimental studies are conflicting or provide insufficient evidence to determine the effect of this variant on BRCA1 function (PMID: 20516115, 29113215, 30209399). In summary, the available evidence is currently insufficient to determine the role of this variant in disease. Therefore, it has been classified as a Variant of Uncertain Significance.

Color Diagnostics, LLC DBA Color Health
Classification: Uncertain significance for Hereditary cancer-predisposing syndrome. Last evaluated: 2024-08-13. Review status: criteria provided, single submitter. Criteria: ACMG Guidelines, 2015. Collection method: clinical testing. Allele origin: germline. Not counted in ClinVar's aggregate classification.
Comment: This missense variant replaces glycine with valine at codon 1763 of the BRCA1 protein. Computational prediction suggests that this variant may have deleterious impact on protein structure and function. Functional studies have reported contradictory findings for this variant protein with impact on BRCA1 function in a haploid cell proliferation assay and assays on protein stability, phosphopeptide binding and specificity and transcription activation assays (PMID: 20516115, 30209399, 30765603), and no impact in a homology-directed repair assay and in cellular assays for responses to DNA damaging agent and PARP inhibitor (PMID: 29113215, 35196514). This variant has been reported in one individual each affected with breast cancer (PMID: 29113215) and ovarian cancer (PMID: 37121054). A multifactorial analysis has reported a likelihood ratio based on personal and family history of 1.148 from log(LR)=0.059960604 (PMID: 31853058). This variant has not been identified in the general population by the Genome Aggregation Database (gnomAD). The available evidence is insufficient to determine the role of this variant in disease conclusively. Therefore, this variant is classified as a Variant of Uncertain Significance.

All of Us Research Program, National Institutes of Health
Classification: Uncertain significance for BRCA1-related cancer predisposition. Last evaluated: 2024-05-09. Review status: criteria provided, single submitter. Criteria: ACMG Guidelines, 2015. Collection method: clinical testing. Allele origin: germline. Inheritance: Autosomal dominant inheritance. Observed: 1 variant allele, 1 heterozygote. Not counted in ClinVar's aggregate classification.
Comment: This study involves interpretation of variants in research participants for the purpose of population health screening. Participant phenotype was not available at the time of variant classification. Additional details can be found in publication PMID: 35346344, PMCID: PMC8962531